The following is an entry in ClinVar:

ClinVar aggregate classification (germline): Likely benign (1 of 4 stars; one submission).

Submission:

CeGaT Center for Human Genetics Tuebingen
Classification: Likely benign. Last evaluated: 2023-07-01. Review status: criteria provided, single submitter. Criteria: CeGaT Center For Human Genetics Tuebingen Variant Classification Criteria Version 2. Collection method: clinical testing. Allele origin: germline. Affected: yes. Observed: 1 variant allele.
Comment: GJB2: PM2:Supporting, BP4, BP7

NM_004004.6(GJB2):c.588T>C (p.Ile196=)

Gene: GJB2 (gap junction protein beta 2; minus strand). Cytogenetic location: 13q12.11.
Variant type: single nucleotide variant.
Coding change: c.588T>C on transcript NM_004004.6 (MANE Select); coding-DNA position 588, T replaced by C.
Protein change: p.Ile196=; no amino-acid change (isoleucine 196 retained).
Molecular consequence: synonymous variant.
Genome position (GRCh38, 1-based): chr13:20,188,994, A>G on the plus strand (T>C on the coding strand, the complement: GJB2 is on the minus strand). VCF-style: chr13-20188994-A-G. GRCh37 (hg19) VCF-style: chr13-20763133-A-G.
Identifiers: ClinVar variation 2643668 (VCV002643668.24), dbSNP rs759683824, ClinGen allele CA483154296.